The following is an entry in ClinVar:

NM_002335.4(LRP5):c.22C>A (p.Pro8Thr)

Gene: LRP5 (LDL receptor related protein 5; plus strand). Cytogenetic location: 11q13.2.
Variant type: single nucleotide variant.
Coding change: c.22C>A on transcript NM_002335.4 (MANE Select); coding-DNA position 22, C replaced by A.
Protein change: p.Pro8Thr; replaces proline 8 with threonine.
Molecular consequence: missense variant. On other transcripts: 5 prime UTR variant (1).
Genome position (GRCh38, 1-based): chr11:68,312,736, C>A. VCF-style: chr11-68312736-C-A. GRCh37 (hg19) VCF-style: chr11-68080204-C-A.
Other names: c.-1744C>A (NM_001291902.2); short protein forms P8T.
Identifiers: ClinVar variation 2672473 (VCV002672473.23), dbSNP rs895427090, ClinGen allele CA224251918.

ClinVar aggregate classification (germline): Uncertain significance (1 of 4 stars; one submission).

Allele frequency attached by ClinVar (database versions not stated): TOPMed below 0.00001; gnomAD 0.00001.
gnomAD v4.1: 2 of 1,055,900 alleles (0.00019%); highest among the groups gnomAD compares: Non-Finnish European, 0.00011%; no homozygotes.

Submission:

CeGaT Center for Human Genetics Tuebingen
Classification: Uncertain significance. Last evaluated: 2023-12-01. Review status: criteria provided, single submitter. Criteria: CeGaT Center For Human Genetics Tuebingen Variant Classification Criteria Version 2. Collection method: clinical testing. Allele origin: germline. Affected: yes. Observed: 1 variant allele.
Comment: LRP5: PM2